The following is an entry in ClinVar:

ClinVar aggregate classification (germline): Uncertain significance (1 of 4 stars; one submission).

Conditions:
Mitochondrial DNA depletion syndrome 13. Also called: FBXL4-Related Encephalomyopathic Mitochondrial DNA Depletion Syndrome; Mitochondrial DNA depletion syndrome 13 (encephalomyopathic type). Identifiers: Orphanet 369897, MedGen C3809592, MONDO:0014198, OMIM 615471.

Allele frequency attached by ClinVar (database versions not stated): ExAC 0.00004; gnomAD exomes 0.00004 and 0.00001; 1000 Genomes Project 30x 0.00016; 1000 Genomes Project 0.00020; gnomAD 0.00001 and 0.00002; TOPMed 0.00002.

Submission:

Wong Mito Lab, Molecular and Human Genetics, Baylor College of Medicine
Classification: Uncertain significance for Mitochondrial DNA depletion syndrome 13. Last evaluated: 2017-08-10. Review status: criteria provided, single submitter. Criteria: ACMG Guidelines, 2015. Collection method: reference population. Allele origin: germline.
Comment: The NM_012160.4:c.176T>G (NP_036292.2:p.Val59Gly) [GRCH38: NC_000006.12:g.98926813A>C] variant in FBXL4 gene is interpretated to be a Uncertain Significance - Insufficient Evidence based on ACMG guidelines (PMID: 25741868). This variant meets one or more of the following evidence codes reported in the ACMG-guideline. PM2:This variant is absent in key population databases. Based on this evidence code ClinGen Pathogenicity Calculator (PMID:28081714) suggested that the variant is Uncertain Significance - Insufficient Evidence.

NM_001278716.2(FBXL4):c.176T>G (p.Val59Gly)

Gene: FBXL4 (F-box and leucine rich repeat protein 4; minus strand). Cytogenetic location: 6q16.2.
Variant type: single nucleotide variant.
Coding change: c.176T>G on transcript NM_001278716.2 (MANE Select); coding-DNA position 176, T replaced by G.
Protein change: p.Val59Gly; replaces valine 59 with glycine.
Molecular consequence: missense variant. On other transcripts: non-coding transcript variant (2).
Genome position (GRCh38, 1-based): chr6:98,926,813, A>C on the plus strand (T>G on the coding strand, the complement: FBXL4 is on the minus strand). VCF-style: chr6-98926813-A-C. GRCh37 (hg19) VCF-style: chr6-99374689-A-C.
Other names: c.176T>G, p.Val59Gly (NM_012160.5); short protein forms V59G.
Identifiers: ClinVar variation 437548 (VCV000437548.1), dbSNP rs559380606, ClinGen allele CA3933723.